The following is an entry in ClinVar:

NM_006086.4(TUBB3):c.847G>T (p.Ala283Ser)

Gene: TUBB3 (tubulin beta 3 class III; plus strand). Cytogenetic location: 16q24.3.
Variant type: single nucleotide variant.
Coding change: c.847G>T on transcript NM_006086.4 (MANE Select); coding-DNA position 847, G replaced by T.
Protein change: p.Ala283Ser; replaces alanine 283 with serine.
Molecular consequence: missense variant.
Genome position (GRCh38, 1-based): chr16:89,935,298, G>T. VCF-style: chr16-89935298-G-T. GRCh37 (hg19) VCF-style: chr16-90001706-G-T.
Other names: c.631G>T, p.Ala211Ser (NM_001197181.2); short protein forms A283S, A211S.
Identifiers: ClinVar variation 4795476 (VCV004795476.1).

ClinVar aggregate classification (germline): Likely pathogenic (1 of 4 stars; one submission).

Submission:

GeneDx
Classification: Likely pathogenic. Last evaluated: 2025-08-15. Review status: criteria provided, single submitter. Criteria: GeneDx Variant Classification Process June 2021. Collection method: clinical testing. Allele origin: germline. Affected: yes.
Comment: Has not been previously published as pathogenic or benign to our knowledge; Missense variants in this gene are a common cause of disease and they are underrepresented in the general population; In silico analysis suggests that this missense variant does not alter protein structure/function; Not observed at significant frequency in large population cohorts (gnomAD); This variant is associated with the following publications: (PMID: 20829227)